The following is an entry in ClinVar:

NM_000439.5(PCSK1):c.1093A>G (p.Ile365Val)

Genes: CAST (calpastatin; plus strand), PCSK1 (proprotein convertase subtilisin/kexin type 1; minus strand), LOC101929710 (uncharacterized LOC101929710; plus strand). Cytogenetic location: 5q15.
Variant type: single nucleotide variant.
Coding change: c.1093A>G on transcript NM_000439.5 (MANE Select); coding-DNA position 1093, A replaced by G.
Protein change: p.Ile365Val; replaces isoleucine 365 with valine.
Molecular consequence: missense variant. On other transcripts: intron variant (11).
Genome position (GRCh38, 1-based): chr5:96,410,776, T>C on the plus strand (A>G on the coding strand, the complement: PCSK1 is on the minus strand). VCF-style: chr5-96410776-T-C. GRCh37 (hg19) VCF-style: chr5-95746480-T-C.
Other names: c.952A>G, p.Ile318Val (NM_001177875.2); c.-175+31124T>C (NM_001423254.1, NM_001423259.1, NM_001423255.1 and 6 more transcripts); c.-103+31124T>C (NM_001423253.1); c.-40+31124T>C (NM_001423258.1); short protein forms I318V, I365V.
Identifiers: ClinVar variation 4133391 (VCV004133391.1).

ClinVar aggregate classification (germline): Uncertain significance. Review status: criteria provided, multiple submitters, no conflicts (2 of 4 stars). 2 submissions from 2 submitters: Uncertain significance (2). Last evaluated 2025-07-11.

Conditions:
Inborn genetic diseases. Identifiers: MedGen C0950123, MeSH D030342.
Early onset severe obesity. Identifiers: MedGen C4013980.

gnomAD v4.1: 1 of 1,612,468 alleles (0.000062%); highest among the groups gnomAD compares: Non-Finnish European, 0.000085%; no homozygotes.

Submissions (2):

Ambry Genetics
Classification: Uncertain significance for Inborn genetic diseases. Last evaluated: 2025-07-11. Review status: criteria provided, single submitter. Criteria: Ambry Variant Classification Scheme 2023. Collection method: clinical testing. Allele origin: germline.

Cambridge Genomics Laboratory, East Genomic Laboratory Hub, NHS Genomic Medicine Service
Classification: Uncertain significance for Severe early-onset obesity. Last evaluated: 2023-11-23. Review status: criteria provided, single submitter. Criteria: ACGS Best Practice Guidelines for Variant Classification in Rare Disease 2020. Collection method: clinical testing. Allele origin: germline. Affected: yes.
Comment: The p.Ile365Val variant is novel (not in any individuals) in gnomAD All. The p.Ile365Val variant is novel (not in any individuals) in 1kG All. The p.Ile365Val variant is novel (not in any individuals) in gnomAD Genomes v3 All. (PM2 - Moderate) | The gene PCSK1 has a low rate of benign missense variation as indicated by a high missense variants Z-Score of 1.47. The gene PCSK1 contains 3 pathogenic missense variants, indicating that missense variants are a common mechanism of disease in this gene. (PP2 - Supporting) | There are no benign variants within 3 amino acid positions of the variant p.Ile365Val. (PM1_Supporting - Supporting)